The following is an entry in ClinVar:

NM_000094.4(COL7A1):c.2451G>A (p.Met817Ile)

Gene: COL7A1 (collagen type VII alpha 1 chain; minus strand). Cytogenetic location: 3p21.31.
Variant type: single nucleotide variant.
Coding change: c.2451G>A on transcript NM_000094.4 (MANE Select); coding-DNA position 2451, G replaced by A.
Protein change: p.Met817Ile; replaces methionine 817 with isoleucine.
Molecular consequence: missense variant.
Genome position (GRCh38, 1-based): chr3:48,588,778, C>T on the plus strand (G>A on the coding strand, the complement: COL7A1 is on the minus strand). VCF-style: chr3-48588778-C-T. GRCh37 (hg19) VCF-style: chr3-48626211-C-T.
Other names: short protein forms M817I.
Identifiers: ClinVar variation 2174700 (VCV002174700.4), dbSNP rs759047842, ClinGen allele CA2380873.

ClinVar aggregate classification (germline): Uncertain significance. Review status: criteria provided, multiple submitters, no conflicts (2 of 4 stars). 3 submissions from 3 submitters: Uncertain significance (2). 1 of the submissions does not count toward it. Last evaluated 2025-12-08.

Conditions:
COL7A1-related disorder. Also called: COL7A1- related disorders; COL7A1-related condition.

Allele frequency attached by ClinVar (database versions not stated): TOPMed 0.00003; gnomAD 0.00001; gnomAD exomes 0.00001; ExAC 0.00002.
gnomAD v4.1: 5 of 1,613,776 alleles (0.00031%); highest among the groups gnomAD compares: Admixed American, 0.0033%; no homozygotes.

Submissions (3):

Labcorp Genetics (formerly Invitae), Labcorp
Classification: Uncertain significance. Last evaluated: 2025-12-08. Review status: criteria provided, single submitter. Criteria: Invitae Variant Classification Sherloc (09022015). Collection method: clinical testing. Allele origin: germline.
Comment: This sequence change replaces methionine, which is neutral and non-polar, with isoleucine, which is neutral and non-polar, at codon 817 of the COL7A1 protein (p.Met817Ile). This variant is present in population databases (rs759047842, gnomAD 0.006%). This variant has not been reported in the literature in individuals affected with COL7A1-related conditions. ClinVar contains an entry for this variant (Variation ID: 2174700). Invitae Evidence Modeling of protein sequence and biophysical properties (such as structural, functional, and spatial information, amino acid conservation, physicochemical variation, residue mobility, and thermodynamic stability) indicates that this missense variant is not expected to disrupt COL7A1 protein function with a negative predictive value of 95%. In summary, the available evidence is currently insufficient to determine the role of this variant in disease. Therefore, it has been classified as a Variant of Uncertain Significance.

Women's Health and Genetics/Laboratory Corporation of America, LabCorp
Classification: Uncertain significance. Last evaluated: 2024-09-08. Review status: criteria provided, single submitter. Criteria: LabCorp Variant Classification Summary - May 2015. Collection method: clinical testing. Allele origin: germline.

PreventionGenetics, part of Exact Sciences
Classification: Uncertain significance for COL7A1-related condition. Last evaluated: 2024-09-16. Review status: no assertion criteria provided. Collection method: clinical testing. Allele origin: germline. Not counted in ClinVar's aggregate classification.
Comment: The COL7A1 c.2451G>A variant is predicted to result in the amino acid substitution p.Met817Ile. To our knowledge, this variant has not been reported in the literature. This variant is reported in 0.0054% of alleles in individuals of East Asian descent in gnomAD. At this time, the clinical significance of this variant is uncertain due to the absence of conclusive functional and genetic evidence.